The following is an entry in ClinVar:

ClinVar aggregate classification (germline): Uncertain significance. Review status: criteria provided, multiple submitters, no conflicts (2 of 4 stars). 2 submissions from 2 submitters: Uncertain significance (2). Last evaluated 2024-10-03.

Conditions:
Inborn genetic diseases. Identifiers: MedGen C0950123, MeSH D030342.

Allele frequency attached by ClinVar (database versions not stated): gnomAD exomes below 0.00001 and 0.00001; TOPMed below 0.00001; gnomAD 0.00001.
gnomAD v4.1: 4 of 1,563,140 alleles (0.00026%); highest among the groups gnomAD compares: East Asian, 0.0024%; no homozygotes.

Submissions (2):

Ambry Genetics
Classification: Uncertain significance for Inborn genetic diseases. Last evaluated: 2024-10-03. Review status: criteria provided, single submitter. Criteria: Ambry Variant Classification Scheme 2023. Collection method: clinical testing. Allele origin: germline.

GeneDx
Classification: Uncertain significance. Last evaluated: 2020-07-22. Review status: criteria provided, single submitter. Criteria: GeneDx Variant Classification Process June 2021. Collection method: clinical testing. Allele origin: germline. Affected: yes.
Comment: Not observed at a significant frequency in large population cohorts (Lek et al., 2016); In silico analysis supports that this missense variant has a deleterious effect on protein structure/function; Has not been previously published as pathogenic or benign to our knowledge

NM_021098.3(CACNA1H):c.1127C>T (p.Thr376Met)

Gene: CACNA1H (calcium voltage-gated channel subunit alpha1 H; plus strand). Cytogenetic location: 16p13.3.
Variant type: single nucleotide variant.
Coding change: c.1127C>T on transcript NM_021098.3 (MANE Select); coding-DNA position 1127, C replaced by T.
Protein change: p.Thr376Met; replaces threonine 376 with methionine.
Molecular consequence: missense variant.
Genome position (GRCh38, 1-based): chr16:1,200,723, C>T. VCF-style: chr16-1200723-C-T. GRCh37 (hg19) VCF-style: chr16-1250723-C-T.
Other names: c.1127C>T, p.Thr376Met (NM_001005407.2); short protein forms T376M.
Identifiers: ClinVar variation 1316083 (VCV001316083.3), dbSNP rs758285252, ClinGen allele CA7799821.
Genomic context (GRCh38, chr16:1,200,723, plus strand): 5'-GGGGAGGAGGAGGAGGGGTCGTGCGGGCCCAAGTCAAGCCACTGCCCCCCCAGGTGATCA[C>T]GCTGGAAGGCTGGGTGGACATCATGTACTACGTCATGGACGCCCACTCATTCTACAACTT-3'
Protein context (NP_066921.2, residues 366-386): YAWIAIFQVI[Thr376Met]LEGWVDIMYY